The following is an entry in ClinVar:

NM_058216.3(RAD51C):c.1128A>G (p.Leu376=)

Gene: RAD51C (RAD51 paralog C; plus strand). Cytogenetic location: 17q22.
Variant type: single nucleotide variant.
Coding change: c.1128A>G on transcript NM_058216.3 (MANE Select); coding-DNA position 1128, A replaced by G.
Protein change: p.Leu376=; no amino-acid change (leucine 376 retained).
Molecular consequence: synonymous variant. On other transcripts: non-coding transcript variant (1).
Genome position (GRCh38, 1-based): chr17:58,734,219, A>G. VCF-style: chr17-58734219-A-G. GRCh37 (hg19) VCF-style: chr17-56811580-A-G.
Other names: p.Leu376=.
Identifiers: ClinVar variation 187073 (VCV000187073.42), dbSNP rs545024029, ClinGen allele CA196668.

ClinVar aggregate classification (germline): Conflicting classifications of pathogenicity. Review status: criteria provided, conflicting classifications (1 of 4 stars). 10 submissions from 10 submitters: Uncertain significance (2); Benign (1); Likely benign (7). Last evaluated 2026-02-04.

Conditions:
Hereditary cancer-predisposing syndrome. Also called: Tumor predisposition; Neoplastic Syndromes, Hereditary; Hereditary Cancer Syndrome; Hereditary neoplastic syndrome. Identifiers: Orphanet 140162, MedGen C0027672, MeSH D009386, MONDO:0015356.
Breast-ovarian cancer, familial, susceptibility to, 3. Also called: RAD51C-Related Breast/Ovarian Cancer. Identifiers: Orphanet 145, MedGen C3150659, MONDO:0013253, OMIM 613399.
Fanconi anemia complementation group O. Also called: RAD51C-Related Fanconi Anemia. Identifiers: Orphanet 84, MedGen C3150653, MONDO:0013248, OMIM 613390.

Allele frequency attached by ClinVar (database versions not stated): gnomAD 0.00001; gnomAD exomes 0.00001 and below 0.00001; 1000 Genomes Project 0.00020; TOPMed below 0.00001; ExAC 0.00001; 1000 Genomes Project 30x 0.00031.
gnomAD v4.1: 6 of 1,610,670 alleles (0.00037%); highest among the groups gnomAD compares: Admixed American, 0.01%; no homozygotes.

Submissions (10):

Labcorp Genetics (formerly Invitae), Labcorp
Classification: Likely benign for Fanconi anemia complementation group O. Last evaluated: 2026-02-04. Review status: criteria provided, single submitter. Criteria: Invitae Variant Classification Sherloc (09022015). Collection method: clinical testing. Allele origin: germline.

Mayo Clinic Laboratories, Mayo Clinic
Classification: Likely benign. Last evaluated: 2025-04-29. Review status: criteria provided, single submitter. Criteria: ACMG Guidelines, 2015. Collection method: clinical testing. Allele origin: germline. Observed: 1 variant allele.
Comment: BP4, BP7, PM2_supporting

Myriad Genetics, Inc.
Classification: Benign for Breast-ovarian cancer, familial, susceptibility to, 3. Last evaluated: 2025-02-19. Review status: criteria provided, single submitter. Criteria: Myriad Autosomal Dominant, Autosomal Recessive and X-Linked Classification Criteria (2023). Collection method: clinical testing. Allele origin: unknown.
Comment: This variant is considered benign. This variant is a silent/synonymous amino acid change and it is not expected to impact splicing.

Molecular Diagnostics Laboratory, Catalan Institute of Oncology
Classification: Likely benign for Hereditary cancer-predisposing syndrome. Last evaluated: 2024-11-25. Review status: criteria provided, single submitter. Criteria: ACMG Guidelines, 2015. Collection method: clinical testing. Allele origin: germline.
Comment: PM2_Supporting, BP4, BP7 c.1128A>G, located in exon 9 of the RAD51C gene, is predicted to result in no amino acid change, p.(Leu376=) (BP7). This variant is found in 1/262629 alleles at a frequency of 0.0003% in the gnomAD v2.1.1 database, non-cancer dataset (PM2_supporting). The SpliceAI algorithm predicts no significant impact on splicing (BP4). To our knowledge, neither relevant clinical data nor well-established functional studies have been reported for this variant. This variant has been reported in the ClinVar database (5x likely benign, 2x uncertain significance) and has not been reported in LOVD. Based on currently available information, the variant c.1128A>G should be considered a likely benign variant.

CeGaT Center for Human Genetics Tuebingen
Classification: Likely benign. Last evaluated: 2024-06-01. Review status: criteria provided, single submitter. Criteria: CeGaT Center For Human Genetics Tuebingen Variant Classification Criteria Version 2. Collection method: clinical testing. Allele origin: germline. Affected: yes. Observed: 1 variant allele.
Comment: RAD51C: BP4, BP7

Sema4
Classification: Uncertain significance for Hereditary cancer-predisposing syndrome. Last evaluated: 2021-12-21. Review status: criteria provided, single submitter. Criteria: Sema4 Curation Guidelines. Collection method: curation. Allele origin: germline.
Comment: The RAD51C c.1128A>G (p.L376=) variant has not been reported in literature to our knowledge. It was observed in 1/34170 chromosomes in the Latino (AMR) subpopulation according to the Genome Aggregation Database (PMID: 32461654). This variant has been reported in ClinVar (Variation ID: 187073). In silico tools suggest that the variant may create or strengthen a cryptic splice site, though these predictions have not been confirmed by functional studies. The evidence is insufficient to meet ACMG/AMP criteria for classifying the variant as benign or pathogenic. Thus, the clinical significance of this variant is currently uncertain.

Genetic Services Laboratory, University of Chicago
Classification: Uncertain significance. Last evaluated: 2020-04-10. Review status: criteria provided, single submitter. Criteria: ACMG Guidelines, 2015. Collection method: clinical testing. Allele origin: germline. Affected: no.

Color Diagnostics, LLC DBA Color Health
Classification: Likely benign for Hereditary cancer-predisposing syndrome. Last evaluated: 2019-03-15. Review status: criteria provided, single submitter. Criteria: ACMG Guidelines, 2015. Collection method: clinical testing. Allele origin: germline.

GeneDx
Classification: Likely benign. Last evaluated: 2016-07-08. Review status: criteria provided, single submitter. Criteria: GeneDx Variant Classification (06012015). Collection method: clinical testing. Allele origin: germline. Affected: yes.
Comment: This variant is considered likely benign or benign based on one or more of the following criteria: it is a conservative change, it occurs at a poorly conserved position in the protein, it is predicted to be benign by multiple in silico algorithms, and/or has population frequency not consistent with disease.

Ambry Genetics
Classification: Likely benign for Hereditary cancer-predisposing syndrome. Last evaluated: 2014-10-29. Review status: criteria provided, single submitter. Criteria: Ambry Variant Classification Scheme 2023. Collection method: clinical testing. Allele origin: germline.